The following is an entry in ClinVar:

ClinVar aggregate classification (germline): Pathogenic. Review status: criteria provided, multiple submitters, no conflicts (2 of 4 stars). 8 submissions from 8 submitters: Pathogenic (8). Last evaluated 2025-05-22.

Conditions:
PCDH15-related disorder. Also called: PCDH15-related condition; PCDH15-related disorders.
Usher syndrome type 1D (USH1D). Also called: USHER SYNDROME, TYPE ID. Identifiers: Orphanet 231169, Orphanet 886, MedGen C1832845, MONDO:0010984, OMIM 601067.
Rare genetic deafness. Identifiers: Orphanet 96210, MedGen C5680250.
Autosomal recessive nonsyndromic hearing loss 23. Identifiers: Orphanet 90636, MedGen C1836027, MONDO:0012293, OMIM 609533.
Usher syndrome type 1F (USH1F). Also called: USHER SYNDROME, TYPE IF. Identifiers: Orphanet 231169, Orphanet 886, MedGen C1865885, MONDO:0011186, OMIM 602083.

Allele frequency attached by ClinVar (database versions not stated): gnomAD exomes 0.00001.
gnomAD v4.1: 9 of 1,610,438 alleles (0.00056%); highest among the groups gnomAD compares: South Asian, 0.0022%; no homozygotes.

Submissions (8):

Labcorp Genetics (formerly Invitae), Labcorp
Classification: Pathogenic. Last evaluated: 2025-05-22. Review status: criteria provided, single submitter. Criteria: Invitae Variant Classification Sherloc (09022015). Collection method: clinical testing. Allele origin: germline.
Comment: This sequence change creates a premature translational stop signal (p.Arg643*) in the PCDH15 gene. It is expected to result in an absent or disrupted protein product. Loss-of-function variants in PCDH15 are known to be pathogenic (PMID: 11398101, 11487575, 14570705). This variant is not present in population databases (gnomAD no frequency). This premature translational stop signal has been observed in individual(s) with Usher syndrome (PMID: 14570705). It has also been observed to segregate with disease in related individuals. ClinVar contains an entry for this variant (Variation ID: 177724). For these reasons, this variant has been classified as Pathogenic.

Natera, Inc.
Classification: Pathogenic for Usher syndrome type 1F. Last evaluated: 2024-11-19. Review status: criteria provided, single submitter. Criteria: Natera Variant Classification Schema (03/2026). Collection method: clinical testing. Allele origin: germline.
Comment: The c.1927C>T variant in PCDH15 is a nonsense variant predicted to introduce a stop codon at amino acid 643. This variant is expected to result in nonsense mediated decay, truncation, or a dysfunctional protein product. This variant is rare in the general population with a frequency below the threshold expected for the associated phenotype(s). This variant has been observed in one or more individuals affected with the associated recessive disease, as either homozygous or compound heterozygous with a second variant (PMID: 14570705, 16679490, 31836858). Additionally, this variant has been observed to segregate in affected family members (PMID: 14570705). Given the available evidence, this variant is classified as Pathogenic.

Baylor Genetics
Classification: Pathogenic for Autosomal recessive nonsyndromic hearing loss 23. Last evaluated: 2024-03-18. Review status: criteria provided, single submitter. Criteria: ACMG Guidelines, 2015. Collection method: clinical testing. Allele origin: unknown.

Fulgent Genetics
Classification: Pathogenic for Usher syndrome type 1D; Usher syndrome type 1F; Autosomal recessive nonsyndromic hearing loss 23. Last evaluated: 2022-04-27. Review status: criteria provided, single submitter. Criteria: ACMG Guidelines, 2015. Collection method: clinical testing. Allele origin: unknown.

Blueprint Genetics
Classification: Pathogenic for PCDH15-related disorders. Last evaluated: 2022-01-24. Review status: criteria provided, single submitter. Criteria: ACMG Guidelines, 2015. Collection method: clinical testing. Allele origin: germline. Affected: yes. Observed: 1 variant allele.

Centre for Genomic Medicine, Manchester, Central Manchester University Hospitals
Classification: Pathogenic for Usher syndrome type 1D. Last evaluated: 2019-02-01. Review status: criteria provided, single submitter. Criteria: ACMG Guidelines, 2015. Collection method: clinical testing. Allele origin: germline. Affected: yes. Observed: 1 variant allele, 1 homozygote.

Women's Health and Genetics/Laboratory Corporation of America, LabCorp
Classification: Pathogenic for Usher syndrome, type 1F. Last evaluated: 2018-09-07. Review status: criteria provided, single submitter. Criteria: LabCorp Variant Classification Summary - May 2015. Collection method: clinical testing. Allele origin: germline.
Comment: Variant summary: PCDH15 c.1927C>T (p.Arg643X) results in a premature termination codon, predicted to cause a truncation of the encoded protein or absence of the protein due to nonsense mediated decay, which are commonly known mechanisms for disease. A truncation downstream of this position have been classified as pathogenic by our laboratory (c.2971C>T (p.Arg991X)). The variant was absent in 246434 control chromosomes (gnomAD and publication data). c.1927C>T has been reported in the literature as a homozygous and compound heterozygous allele in multiple individuals affected with Usher Syndrome Type 1F (Ahmed 2003, Roux 2006). These data indicate that the variant is very likely to be associated with disease. To our knowledge, no experimental evidence demonstrating an impact on protein function has been reported. No clinical diagnostic laboratories have submitted clinical-significance assessments for this variant to ClinVar after 2014. Based on the evidence outlined above, the variant was classified as pathogenic.

Laboratory for Molecular Medicine, Mass General Brigham Personalized Medicine
Classification: Pathogenic for Rare genetic deafness. Last evaluated: 2014-02-10. Review status: criteria provided, single submitter. Criteria: LMM Criteria. Collection method: clinical testing. Allele origin: germline. Inheritance: Autosomal recessive inheritance. Observed: 1 variant allele.
Comment: The Arg643X variant in PCDH15 has been reported in two individuals with Usher sy ndrome (Ahmed 2003, Roux 2006), and was not identified in large population studi es. Both of these individuals were homozygous or compound heterozygous with a se cond pathogenic variant and this variant segregated in two affected siblings. Th is nonsense variant leads to a premature termination codon at position 643, whic h is predicted to lead to a truncated or absent protein. In summary, this varian t meets our criteria to be classified as pathogenic (MM).

Literature cited by the submitters: PubMed 11398101 (cited by Labcorp Genetics (formerly Invitae), Labcorp); PubMed 11487575 (cited by Labcorp Genetics (formerly Invitae), Labcorp); PubMed 14570705 (cited by 4 submitters); PubMed 16679490 (cited by 3 submitters); PubMed 31836858 (cited by Natera, Inc.).

NM_001384140.1(PCDH15):c.1927C>T (p.Arg643Ter)

Gene: PCDH15 (protocadherin related 15; minus strand). Cytogenetic location: 10q21.1.
Variant type: single nucleotide variant.
Coding change: c.1927C>T on transcript NM_001384140.1 (MANE Select); coding-DNA position 1927, C replaced by T.
Protein change: p.Arg643Ter; replaces arginine 643 with a stop codon.
Molecular consequence: nonsense. On other transcripts: intron variant (1).
Genome position (GRCh38, 1-based): chr10:54,090,054, G>A on the plus strand (C>T on the coding strand, the complement: PCDH15 is on the minus strand). VCF-style: chr10-54090054-G-A. GRCh37 (hg19) VCF-style: chr10-55849814-G-A.
Other names: c.1942C>T, p.Arg648Ter (NM_001142763.2, NM_001142771.2); c.1927C>T, p.Arg643Ter (NM_001142764.2, NM_001142766.2, NM_001142770.3 and 5 more transcripts); c.1816C>T, p.Arg606Ter (NM_001142767.2); c.1861C>T, p.Arg621Ter (NM_001142768.2, NM_001142773.2, NM_001354404.2); c.1963C>T, p.Arg655Ter (NM_001142769.4); c.1948C>T, p.Arg650Ter (NM_001354411.2); c.1785-10630C>T (NM_001142765.2); short protein forms R643*, R621*, R650*, R655*, R606*, R648*.
Identifiers: ClinVar variation 177724 (VCV000177724.23), dbSNP rs727504301, ClinGen allele CA273444.